The following is an entry in ClinVar:

ClinVar aggregate classification (germline): Uncertain significance (1 of 4 stars; one submission).

gnomAD v4.1: 10 of 1,614,186 alleles (0.00062%); highest among the groups gnomAD compares: South Asian, 0.0011%; no homozygotes.

Submission:

Labcorp Genetics (formerly Invitae), Labcorp
Classification: Uncertain significance. Last evaluated: 2024-07-31. Review status: criteria provided, single submitter. Criteria: Invitae Variant Classification Sherloc (09022015). Collection method: clinical testing. Allele origin: germline.
Comment: This sequence change replaces arginine, which is basic and polar, with lysine, which is basic and polar, at codon 488 of the ANKH protein (p.Arg488Lys). This variant is not present in population databases (gnomAD no frequency). This variant has not been reported in the literature in individuals affected with ANKH-related conditions. An algorithm developed to predict the effect of missense changes on protein structure and function (PolyPhen-2) suggests that this variant is likely to be tolerated. In summary, the available evidence is currently insufficient to determine the role of this variant in disease. Therefore, it has been classified as a Variant of Uncertain Significance.

NM_054027.6(ANKH):c.1463G>A (p.Arg488Lys)

Genes: ANKH (ANKH inorganic pyrophosphate transport regulator; minus strand), OTULIN (OTU deubiquitinase with linear linkage specificity; plus strand). Cytogenetic location: 5p15.2.
Variant type: single nucleotide variant.
Coding change: c.1463G>A on transcript NM_054027.6 (MANE Select); coding-DNA position 1463, G replaced by A.
Protein change: p.Arg488Lys; replaces arginine 488 with lysine.
Molecular consequence: missense variant.
Genome position (GRCh38, 1-based): chr5:14,711,213, C>T on the plus strand (G>A on the coding strand, the complement: ANKH is on the minus strand). VCF-style: chr5-14711213-C-T. GRCh37 (hg19) VCF-style: chr5-14711322-C-T.
Other names: short protein forms R488K.
Identifiers: ClinVar variation 3627760 (VCV003627760.2).